The following is an entry in ClinVar:

NM_014915.3(ANKRD26):c.3413A>T (p.Gln1138Leu)

Gene: ANKRD26 (ankyrin repeat domain 26; minus strand). Cytogenetic location: 10p12.1.
Variant type: single nucleotide variant.
Coding change: c.3413A>T on transcript NM_014915.3 (MANE Select); coding-DNA position 3413, A replaced by T.
Protein change: p.Gln1138Leu; replaces glutamine 1138 with leucine.
Molecular consequence: missense variant.
Genome position (GRCh38, 1-based): chr10:27,035,037, T>A on the plus strand (A>T on the coding strand, the complement: ANKRD26 is on the minus strand). VCF-style: chr10-27035037-T-A. GRCh37 (hg19) VCF-style: chr10-27323966-T-A.
Other names: c.3410A>T, p.Gln1137Leu (NM_001256053.2); short protein forms Q1137L, Q1138L.
Identifiers: ClinVar variation 4580348 (VCV004580348.1).

ClinVar aggregate classification (germline): Uncertain significance (1 of 4 stars; one submission).

Conditions:
Inborn genetic diseases. Identifiers: MedGen C0950123, MeSH D030342.

Submission:

Ambry Genetics
Classification: Uncertain significance for Inborn genetic diseases. Last evaluated: 2025-12-06. Review status: criteria provided, single submitter. Criteria: Ambry Variant Classification Scheme 2023. Collection method: clinical testing. Allele origin: germline.
Comment: The p.Q1138L variant (also known as c.3413A>T), located in coding exon 24 of the ANKRD26 gene, results from an A to T substitution at nucleotide position 3413. The glutamine at codon 1138 is replaced by leucine, an amino acid with dissimilar properties. This amino acid position is conserved. In addition, this alteration is predicted to be tolerated by in silico analysis. Based on the available evidence, the clinical significance of this variant remains unclear.